The following is an entry in ClinVar:

NM_005654.6(NR2F1):c.791C>G (p.Ala264Gly)

Gene: NR2F1 (nuclear receptor subfamily 2 group F member 1; plus strand). Cytogenetic location: 5q15.
Variant type: single nucleotide variant.
Coding change: c.791C>G on transcript NM_005654.6 (MANE Select); coding-DNA position 791, C replaced by G.
Protein change: p.Ala264Gly; replaces alanine 264 with glycine.
Molecular consequence: missense variant.
Genome position (GRCh38, 1-based): chr5:93,588,244, C>G. VCF-style: chr5-93588244-C-G. GRCh37 (hg19) VCF-style: chr5-92923950-C-G.
Other names: c.341C>G, p.Ala114Gly (NM_001410754.1); short protein forms A264G, A114G.
Identifiers: ClinVar variation 3664274 (VCV003664274.2).

ClinVar aggregate classification (germline): Uncertain significance (1 of 4 stars; one submission).

Submission:

Labcorp Genetics (formerly Invitae), Labcorp
Classification: Uncertain significance. Last evaluated: 2024-09-15. Review status: criteria provided, single submitter. Criteria: Invitae Variant Classification Sherloc (09022015). Collection method: clinical testing. Allele origin: germline.
Comment: This sequence change replaces alanine, which is neutral and non-polar, with glycine, which is neutral and non-polar, at codon 264 of the NR2F1 protein (p.Ala264Gly). This variant is not present in population databases (gnomAD no frequency). This variant has not been reported in the literature in individuals affected with NR2F1-related conditions. Invitae Evidence Modeling of protein sequence and biophysical properties (such as structural, functional, and spatial information, amino acid conservation, physicochemical variation, residue mobility, and thermodynamic stability) indicates that this missense variant is expected to disrupt NR2F1 protein function with a positive predictive value of 80%. In summary, the available evidence is currently insufficient to determine the role of this variant in disease. Therefore, it has been classified as a Variant of Uncertain Significance.